The following is an entry in ClinVar:

ClinVar aggregate classification (germline): Pathogenic. Review status: criteria provided, single submitter (1 of 4 stars). 2 submissions from 1 submitter: Pathogenic (2). Last evaluated 2017-01-01.

Conditions:
Calcium nephrolithiasis. Identifiers: MedGen C1855801, HP:0004724.
Medullary thyroid carcinoma (MTC). Also called: Medullary thyroid gland carcinoma. Identifiers: Orphanet 1332, MedGen C0238462, MeSH C536914, MONDO:0015277, HP:0002865.
Primary hyperparathyroidism. Also called: Primary hyperparathyroidism (disease). Identifiers: MedGen C0221002, MONDO:0010837, HP:0008200.
Pancreatic insulin-producing neuroendocrine tumor. Identifiers: Orphanet 97279, MedGen C5848150, MONDO:0005048.
Abnormal circulating calcium concentration. Also called: Abnormal concentration of calcium in blood; Abnormality of calcium homeostasis. Identifiers: MedGen C4022450, HP:0004363.
Parathyroid gland adenoma. Also called: Parathyroid adenoma. Identifiers: MedGen C0262587, MONDO:0006890, HP:0002897.
Multiple endocrine neoplasia, type 1 (MEN1). Also called: MEN I; WERMER SYNDROME; Endocrine adenomatosis multiple; MEN 1; MEA I. Identifiers: Orphanet 652, MedGen C0025267, MeSH D018761, MONDO:0007540, OMIM 131100.

Submissions (2):

Centre for Mendelian Genomics, University Medical Centre Ljubljana
Classification: Pathogenic for Abnormal circulating calcium concentration; Calcium nephrolithiasis; Pancreatic insulinoma; Medullary thyroid carcinoma; Parathyroid gland adenoma; Primary hyperparathyroidism. Last evaluated: 2017-01-01. Review status: criteria provided, single submitter. Criteria: ACMG Guidelines, 2015. Collection method: clinical testing. Allele origin: unknown. Affected: yes.

Centre for Mendelian Genomics, University Medical Centre Ljubljana
Classification: Pathogenic for Multiple endocrine neoplasia, type 1. Last evaluated: 2016-01-01. Review status: criteria provided, single submitter. Criteria: ACMG Guidelines, 2015. Collection method: clinical testing. Allele origin: unknown. Affected: yes.
Comment: This variant was classified as: Pathogenic.

NM_001370259.2(MEN1):c.371_372del (p.Val124fs)

Gene: MEN1 (menin 1; minus strand). Cytogenetic location: 11q13.1.
Variant type: Deletion.
Coding change: c.371_372del on transcript NM_001370259.2 (MANE Select); coding-DNA positions 371 to 372, 2 bases deleted (TC; older notation c.371_372delTC).
Protein change: p.Val124fs; shifts the reading frame from valine 124.
Molecular consequence: frameshift variant.
Genome position (GRCh38, 1-based): chr11:64,809,738-64,809,739, GA deleted on the plus strand (TC on the coding strand, the reverse complement: MEN1 is on the minus strand). VCF-style (leftmost placement, unchanged base first): chr11-64809737-TGA-T. GRCh37 (hg19) VCF-style: chr11-64577209-TGA-T.
Other names: c.371_372del, p.Val124fs (NM_000244.4, NM_001370251.2, NM_001370260.2 and 9 more transcripts); c.371_372delTC (NM_000244.3); short protein forms V124fs.
Identifiers: ClinVar variation 523339 (VCV000523339.5), dbSNP rs1555166368, ClinGen allele CA658797663.